The following is an entry in ClinVar:

ClinVar aggregate classification (germline): Uncertain significance. Review status: criteria provided, multiple submitters, no conflicts (2 of 4 stars). 3 submissions from 3 submitters: Uncertain significance (3). Last evaluated 2024-09-03.

Conditions:
Iodotyrosyl coupling defect (TDH3). Also called: HYPOTHYROIDISM, CONGENITAL, DUE TO DYSHORMONOGENESIS, 3; THYROID HORMONOGENESIS, GENETIC DEFECT IN, 3. Identifiers: Orphanet 95716, MedGen C0342194, MONDO:0010135, OMIM 274700.

Allele frequency attached by ClinVar (database versions not stated): ExAC 0.00011; gnomAD 0.00011; TOPMed 0.00012; gnomAD exomes 0.00014 and 0.00022; ESP Exome Variant Server 0.00023.
gnomAD v4.1: 328 of 1,613,970 alleles (0.02%); highest among the groups gnomAD compares: Non-Finnish European, 0.027%; no homozygotes.

Submissions (3):

Women's Health and Genetics/Laboratory Corporation of America, LabCorp
Classification: Uncertain significance. Last evaluated: 2024-09-03. Review status: criteria provided, single submitter. Criteria: LabCorp Variant Classification Summary - May 2015. Collection method: clinical testing. Allele origin: germline.
Comment: Variant summary: TG c.6563-3C>T alters a non-conserved nucleotide located close to a canonical splice site and therefore could affect mRNA splicing, leading to a significantly altered protein sequence. Consensus agreement among computation tools predict no significant impact on normal splicing. However, these predictions have yet to be confirmed by functional studies. The variant allele was found at a frequency of 0.00014 in 250872 control chromosomes. This frequency is not significantly higher than estimated for a pathogenic variant in TG causing TG-Related Disorders, allowing no conclusion about variant significance. To our knowledge, no occurrence of c.6563-3C>T in individuals affected with TG-Related Disorders and no experimental evidence demonstrating its impact on protein function have been reported. ClinVar contains an entry for this variant (Variation ID: 436998). Based on the evidence outlined above, the variant was classified as uncertain significance.

Illumina Laboratory Services, Illumina
Classification: Uncertain significance for Iodotyrosyl coupling defect. Last evaluated: 2018-01-12. Review status: criteria provided, single submitter. Criteria: ICSL Variant Classification Criteria 13 December 2019. Collection method: clinical testing. Allele origin: germline.

Genetic Services Laboratory, University of Chicago
Classification: Uncertain significance. Last evaluated: 2016-11-07. Review status: criteria provided, single submitter. Criteria: ACMG Guidelines, 2015. Collection method: clinical testing. Allele origin: germline. Affected: no.

NM_003235.5(TG):c.6563-3C>T

Gene: TG (thyroglobulin; plus strand). Cytogenetic location: 8q24.22.
Variant type: single nucleotide variant.
Coding change: c.6563-3C>T on transcript NM_003235.5 (MANE Select); 3 bases into the intron before coding-DNA position 6563, C replaced by T.
Molecular consequence: intron variant.
Genome position (GRCh38, 1-based): chr8:133,017,775, C>T. VCF-style: chr8-133017775-C-T. GRCh37 (hg19) VCF-style: chr8-134030020-C-T.
Identifiers: ClinVar variation 436998 (VCV000436998.10), dbSNP rs200211140, ClinGen allele CA4884976.